The following is an entry in ClinVar:

NM_199355.4(ADAMTS18):c.91-2A>G

Gene: ADAMTS18 (ADAM metallopeptidase with thrombospondin type 1 motif 18; minus strand). Cytogenetic location: 16q23.1.
Variant type: single nucleotide variant.
Coding change: c.91-2A>G on transcript NM_199355.4 (MANE Select); the canonical splice acceptor site of the intron before coding-DNA position 91, A replaced by G.
Molecular consequence: splice acceptor variant.
Genome position (GRCh38, 1-based): chr16:77,434,507, T>C on the plus strand (A>G on the coding strand, the complement: ADAMTS18 is on the minus strand). VCF-style: chr16-77434507-T-C. GRCh37 (hg19) VCF-style: chr16-77468404-T-C.
Other names: c.-430-2A>G (NM_001326358.2).
Identifiers: ClinVar variation 3003455 (VCV003003455.4), dbSNP rs768314617, ClinGen allele CA8181794.

ClinVar aggregate classification (germline): Conflicting classifications of pathogenicity. Review status: criteria provided, conflicting classifications (1 of 4 stars). 2 submissions from 2 submitters: Likely pathogenic (1); Uncertain significance (1). Last evaluated 2024-10-17.

Allele frequency attached by ClinVar (database versions not stated): TOPMed below 0.00001; gnomAD 0.00001; ExAC 0.00005.
gnomAD v4.1: 40 of 1,556,212 alleles (0.0026%); highest among the groups gnomAD compares: Non-Finnish European, 0.0033%; no homozygotes.

Submissions (2):

Blueprint Genetics
Classification: Uncertain significance. Last evaluated: 2024-10-17. Review status: criteria provided, single submitter. Criteria: ACMG Guidelines, 2015. Collection method: clinical testing. Allele origin: germline.

Labcorp Genetics (formerly Invitae), Labcorp
Classification: Likely pathogenic. Last evaluated: 2024-02-17. Review status: criteria provided, single submitter. Criteria: Invitae Variant Classification Sherloc (09022015). Collection method: clinical testing. Allele origin: germline.
Comment: This sequence change affects an acceptor splice site in intron 1 of the ADAMTS18 gene. It is expected to disrupt RNA splicing. Variants that disrupt the donor or acceptor splice site typically lead to a loss of protein function (PMID: 16199547), and loss-of-function variants in ADAMTS18 are known to be pathogenic (PMID: 23818446, 24874986). This variant is present in population databases (rs768314617, gnomAD 0.005%). This variant has not been reported in the literature in individuals affected with ADAMTS18-related conditions. Algorithms developed to predict the effect of sequence changes on RNA splicing suggest that this variant may disrupt the consensus splice site. In summary, the currently available evidence indicates that the variant is pathogenic, but additional data are needed to prove that conclusively. Therefore, this variant has been classified as Likely Pathogenic.

Literature cited by the submitters: PubMed 16199547 (cited by Labcorp Genetics (formerly Invitae), Labcorp); PubMed 23818446 (cited by Labcorp Genetics (formerly Invitae), Labcorp); PubMed 24874986 (cited by Labcorp Genetics (formerly Invitae), Labcorp).